The following is an entry in ClinVar:

ClinVar aggregate classification (germline): Uncertain significance (1 of 4 stars; one submission).

Conditions:
Joubert syndrome. Also called: CEREBELLOPARENCHYMAL DISORDER IV; JOUBERT-BOLTSHAUSER SYNDROME; Familial aplasia of the vermis. Identifiers: Orphanet 475, MedGen C5979921, MONDO:0018772.

Submission:

Labcorp Genetics (formerly Invitae), Labcorp
Classification: Uncertain significance for Joubert syndrome. Last evaluated: 2024-08-05. Review status: criteria provided, single submitter. Criteria: Invitae Variant Classification Sherloc (09022015). Collection method: clinical testing. Allele origin: germline.
Comment: This sequence change replaces proline, which is neutral and non-polar, with serine, which is neutral and polar, at codon 889 of the AHI1 protein (p.Pro889Ser). This variant is not present in population databases (gnomAD no frequency). This variant has not been reported in the literature in individuals affected with AHI1-related conditions. Advanced modeling of protein sequence and biophysical properties (such as structural, functional, and spatial information, amino acid conservation, physicochemical variation, residue mobility, and thermodynamic stability) performed at Invitae indicates that this missense variant is not expected to disrupt AHI1 protein function with a negative predictive value of 95%. In summary, the available evidence is currently insufficient to determine the role of this variant in disease. Therefore, it has been classified as a Variant of Uncertain Significance.

NM_001134831.2(AHI1):c.2665C>T (p.Pro889Ser)

Gene: AHI1 (Abelson helper integration site 1; minus strand). Cytogenetic location: 6q23.3.
Variant type: single nucleotide variant.
Coding change: c.2665C>T on transcript NM_001134831.2 (MANE Select); coding-DNA position 2665, C replaced by T.
Protein change: p.Pro889Ser; replaces proline 889 with serine.
Molecular consequence: missense variant.
Genome position (GRCh38, 1-based): chr6:135,427,266, G>A on the plus strand (C>T on the coding strand, the complement: AHI1 is on the minus strand). VCF-style: chr6-135427266-G-A. GRCh37 (hg19) VCF-style: chr6-135748404-G-A.
Other names: c.2665C>T, p.Pro889Ser (NM_001134830.2, NM_001134832.2, NM_001350503.2 and 2 more transcripts); short protein forms P889S.
Identifiers: ClinVar variation 3691385 (VCV003691385.2).